The following is an entry in ClinVar:

ClinVar aggregate classification (germline): Likely pathogenic (1 of 4 stars; one submission).

Conditions:
Cardiovascular phenotype. Identifiers: MedGen CN230736.

Submission:

Ambry Genetics
Classification: Likely pathogenic for Cardiovascular phenotype. Last evaluated: 2019-11-12. Review status: criteria provided, single submitter. Criteria: Ambry Variant Classification Scheme 2023. Collection method: clinical testing. Allele origin: germline.
Comment: The c.16851_16852delCA variant, located in coding exon 65 of the TTN gene, results from a deletion of two nucleotides at nucleotide positions 16851 to 16852, causing a translational frameshift with a predicted alternate stop codon (p.H5617Qfs*8). This exon is located in the I-band region of the N2-B isoform of the titin protein and is constitutively expressed in TTN transcripts (percent spliced in or PSI 100%). This alteration is expected to result in loss of function by premature protein truncation or nonsense-mediated mRNA decay. While truncating variants in TTN are present in 1-3% of the general population, truncating variants in the A-band are the most common cause of dilated cardiomyopathy (DCM) (Herman DS et al. N. Engl. J. Med., 2012 Feb;366:619-28; Roberts AM et al. Sci Transl Med, 2015 Jan;7:270ra6). TTN truncating variants encoded in constitutive exons (PSI >90%) have been found to be significantly associated with DCM regardless of their position in titin (Schafer S et al. Nat. Genet., 2017 01;49:46-53). As such, this alteration is classified as likely pathogenic.

NM_001267550.2(TTN):c.44046_44047del (p.His14682fs)

Gene: TTN (titin; minus strand). Cytogenetic location: 2q31.2.
Variant type: Microsatellite.
Coding change: c.44046_44047del on transcript NM_001267550.2 (MANE Select); coding-DNA positions 44046 to 44047, 2 bases deleted (CA; older notation c.44046_44047delCA).
Protein change: p.His14682fs; shifts the reading frame from histidine 14682.
Molecular consequence: frameshift variant.
Genome position (GRCh38, 1-based): chr2:178,630,911-178,630,912, TG deleted on the plus strand (CA on the coding strand, the reverse complement: TTN is on the minus strand); deleting any 2 consecutive bases within chr2:178,630,911-178,630,914 gives the same sequence; the c. name uses the placement nearest the transcript's 3' end. VCF-style (leftmost placement, unchanged base first): chr2-178630910-CTG-C. GRCh37 (hg19) VCF-style: chr2-179495637-CTG-C.
Other names: c.39123_39124del, p.His13041fs (NM_001256850.1); c.16851_16852del, p.His5617fs (NM_003319.4); c.36342_36343del, p.His12114fs (NM_133378.4); c.17226_17227del, p.His5742fs (NM_133432.3); c.17427_17428del, p.His5809fs (NM_133437.4); c.16851_16852delCA (NM_003319.4); short protein forms H12114fs, H14682fs, H5617fs, H5742fs, H13041fs, H5809fs.
Identifiers: ClinVar variation 1777979 (VCV001777979.2), dbSNP rs2471404660, ClinGen allele CA2580614494.